The following is an entry in ClinVar:

ClinVar aggregate classification (germline): Likely benign. Review status: criteria provided, multiple submitters, no conflicts (2 of 4 stars). 2 submissions from 2 submitters: Likely benign (2). Last evaluated 2026-07-01.

Allele frequency attached by ClinVar (database versions not stated): gnomAD exomes 0.00002; TOPMed 0.00002; gnomAD 0.00003.
gnomAD v4.1: 26 of 1,614,106 alleles (0.0016%); highest among the groups gnomAD compares: Non-Finnish European, 0.0022%; no homozygotes.

Submissions (2):

CeGaT Center for Human Genetics Tuebingen
Classification: Likely benign. Last evaluated: 2026-07-01. Review status: criteria provided, single submitter. Criteria: CeGaT Center For Human Genetics Tuebingen Variant Classification Criteria Version 2. Collection method: clinical testing. Allele origin: germline. Affected: yes. Observed: 1 variant allele.
Comment: KCNQ5: BP4, BP7

Labcorp Genetics (formerly Invitae), Labcorp
Classification: Likely benign. Last evaluated: 2023-10-20. Review status: criteria provided, single submitter. Criteria: Invitae Variant Classification Sherloc (09022015). Collection method: clinical testing. Allele origin: germline.

NM_019842.4(KCNQ5):c.2013A>G (p.Gln671=)

Gene: KCNQ5 (potassium voltage-gated channel subfamily Q member 5; plus strand). Cytogenetic location: 6q13.
Variant type: single nucleotide variant.
Coding change: c.2013A>G on transcript NM_019842.4 (MANE Select); coding-DNA position 2013, A replaced by G.
Protein change: p.Gln671=; no amino-acid change (glutamine 671 retained).
Molecular consequence: synonymous variant.
Genome position (GRCh38, 1-based): chr6:73,194,628, A>G. VCF-style: chr6-73194628-A-G. GRCh37 (hg19) VCF-style: chr6-73904351-A-G.
Other names: c.1986A>G, p.Gln662= (NM_001160130.2); c.2043A>G, p.Gln681= (NM_001160132.2); c.2070A>G, p.Gln690= (NM_001160133.2); c.1683A>G, p.Gln561= (NM_001160134.2).
Identifiers: ClinVar variation 2780803 (VCV002780803.4), dbSNP rs1478009127, ClinGen allele CA451106232.